The following is an entry in ClinVar:

ClinVar aggregate classification (germline): Likely benign. Review status: criteria provided, multiple submitters, no conflicts (2 of 4 stars). 3 submissions from 3 submitters: Likely benign (2). 1 of the submissions does not count toward it. Last evaluated 2023-11-30.

Conditions:
MYO5A-related disorder. Also called: MYO5A-related condition.

Allele frequency attached by ClinVar (database versions not stated): gnomAD exomes 0.00002 and 0.00008; ExAC 0.00010; gnomAD 0.00024 and 0.00025; ESP Exome Variant Server 0.00025; TOPMed 0.00031; 1000 Genomes Project 0.00040; 1000 Genomes Project 30x 0.00047.
gnomAD v4.1: 69 of 1,613,710 alleles (0.0043%); highest among the groups gnomAD compares: African/African-American, 0.087%; 1 homozygote.

Submissions (3):

Blueprint Genetics
Classification: Likely benign. Last evaluated: 2023-11-30. Review status: criteria provided, single submitter. Criteria: ACMG Guidelines, 2015. Collection method: clinical testing. Allele origin: germline.

Labcorp Genetics (formerly Invitae), Labcorp
Classification: Likely benign. Last evaluated: 2022-10-17. Review status: criteria provided, single submitter. Criteria: Invitae Variant Classification Sherloc (09022015). Collection method: clinical testing. Allele origin: germline.

PreventionGenetics, part of Exact Sciences
Classification: Likely benign for MYO5A-related condition. Last evaluated: 2024-01-02. Review status: no assertion criteria provided. Collection method: clinical testing. Allele origin: germline. Not counted in ClinVar's aggregate classification.
Comment: This variant is classified as likely benign based on ACMG/AMP sequence variant interpretation guidelines (Richards et al. 2015 PMID: 25741868, with internal and published modifications).

NM_001382347.1(MYO5A):c.4011G>A (p.Leu1337=)

Gene: MYO5A (myosin VA; minus strand). Cytogenetic location: 15q21.2.
Variant type: single nucleotide variant.
Coding change: c.4011G>A on transcript NM_001382347.1 (MANE Select); coding-DNA position 4011, G replaced by A.
Protein change: p.Leu1337=; no amino-acid change (leucine 1337 retained).
Molecular consequence: synonymous variant. On other transcripts: intron variant (1).
Genome position (GRCh38, 1-based): chr15:52,343,146, C>T on the plus strand (G>A on the coding strand, the complement: MYO5A is on the minus strand). VCF-style: chr15-52343146-C-T. GRCh37 (hg19) VCF-style: chr15-52635343-C-T.
Other names: c.4011G>A, p.Leu1337= (NM_000259.3); c.4083G>A, p.Leu1361= (NM_001382348.1, NM_001382349.1); c.3960-2752G>A (NM_001142495.2).
Identifiers: ClinVar variation 734016 (VCV000734016.11), dbSNP rs147582503, ClinGen allele CA7568239.
Genomic context (GRCh38, chr15:52,343,146, plus strand): 5'-TAACATTCCATTTTGAGGAGACAAATATAACCTGTTGGCTTGTTTTAACCCTTCATAAAC[C>T]AGCCACAGCTCTCCATCCTCATTCAACTCATGGTAATCCAGAGCAGATGATCTTCCATGC-3'
Protein context (NP_001369276.1, residues 1327-1347): HELNEDGELW[Leu1337=]VYEGLKQANR